The following is an entry in ClinVar:

ClinVar aggregate classification (germline): Uncertain significance (1 of 4 stars; one submission).

Conditions:
Hereditary pancreatitis (PCTT). Also called: Hereditary chronic pancreatitis; PRSS1-Related Hereditary Pancreatitis. Identifiers: Orphanet 676, MedGen C0238339, MONDO:0008185, OMIM 167800.

Submission:

Labcorp Genetics (formerly Invitae), Labcorp
Classification: Uncertain significance for Hereditary pancreatitis. Last evaluated: 2022-10-03. Review status: criteria provided, single submitter. Criteria: Invitae Variant Classification Sherloc (09022015). Collection method: clinical testing. Allele origin: germline.
Comment: A gross deletion of the genomic region encompassing the full coding sequence of the PRSS1 gene has been identified. The current clinical and genetic evidence is not sufficient to establish whether loss-of-function variants in PRSS1 cause disease. The boundaries of this event are unknown as they extend beyond the assayed region for this gene and therefore may encompass additional genes. This variant has not been reported in the literature in individuals affected with PRSS1-related conditions. In summary, the available evidence is currently insufficient to determine the role of this variant in disease. Therefore, it has been classified as a Variant of Uncertain Significance.

NC_000007.13:g.(?_142457336)_(142460871_?)del

Genes: TRB (T cell receptor beta locus; plus strand), PRSS1 (serine protease 1; plus strand). Cytogenetic location: 7q34.
Variant type: Deletion.
Identifiers: ClinVar variation 1035816 (VCV001035816.2).